The following is an entry in ClinVar:

ClinVar aggregate classification (germline): Uncertain significance (1 of 4 stars; one submission).

Conditions:
Autosomal recessive severe congenital neutropenia due to G6PC3 deficiency. Also called: G6PC3 Deficiency; NEUTROPENIA, SEVERE CONGENITAL, 4, AUTOSOMAL RECESSIVE. Identifiers: Orphanet 331176, MedGen C2751630, MONDO:0012930, OMIM 612541.

Allele frequency attached by ClinVar (database versions not stated): gnomAD exomes 0.00001; ExAC 0.00003.
gnomAD v4.1: 17 of 1,612,936 alleles (0.0011%); highest among the groups gnomAD compares: South Asian, 0.015%; no homozygotes.

Submission:

Labcorp Genetics (formerly Invitae), Labcorp
Classification: Uncertain significance for Autosomal recessive severe congenital neutropenia due to G6PC3 deficiency. Last evaluated: 2025-03-25. Review status: criteria provided, single submitter. Criteria: Invitae Variant Classification Sherloc (09022015). Collection method: clinical testing. Allele origin: germline.
Comment: This sequence change falls in intron 3 of the G6PC3 gene. It does not directly change the encoded amino acid sequence of the G6PC3 protein. It affects a nucleotide within the consensus splice site. This variant is present in population databases (rs761415213, gnomAD 0.02%). This variant has not been reported in the literature in individuals affected with G6PC3-related conditions. ClinVar contains an entry for this variant (Variation ID: 1936477). Variants that disrupt the consensus splice site are a relatively common cause of aberrant splicing (PMID: 17576681, 9536098). Algorithms developed to predict the effect of sequence changes on RNA splicing suggest that this variant is not likely to affect RNA splicing. In summary, the available evidence is currently insufficient to determine the role of this variant in disease. Therefore, it has been classified as a Variant of Uncertain Significance.

Literature cited by the submitters: PubMed 17576681; PubMed 9536098.

NM_138387.4(G6PC3):c.416+6C>T

Gene: G6PC3 (glucose-6-phosphatase catalytic subunit 3; plus strand). Cytogenetic location: 17q21.31.
Variant type: single nucleotide variant.
Coding change: c.416+6C>T on transcript NM_138387.4 (MANE Select); 6 bases into the intron after coding-DNA position 416, C replaced by T.
Molecular consequence: intron variant.
Genome position (GRCh38, 1-based): chr17:44,074,776, C>T. VCF-style: chr17-44074776-C-T. GRCh37 (hg19) VCF-style: chr17-42152144-C-T.
Other names: c.71+6C>T (NM_001384168.1, NM_001384165.1, NM_001384166.1 and 1 more transcripts); c.416+6C>T (NM_001319945.2).
Identifiers: ClinVar variation 1936477 (VCV001936477.3), dbSNP rs761415213, ClinGen allele CA8596007.